The following is an entry in ClinVar:

NM_032043.3(BRIP1):c.3080A>G (p.Glu1027Gly)

Gene: BRIP1 (BRCA1 interacting DNA helicase 1; minus strand). Cytogenetic location: 17q23.2.
Variant type: single nucleotide variant.
Coding change: c.3080A>G on transcript NM_032043.3 (MANE Select); coding-DNA position 3080, A replaced by G.
Protein change: p.Glu1027Gly; replaces glutamic acid 1027 with glycine.
Molecular consequence: missense variant.
Genome position (GRCh38, 1-based): chr17:61,683,966, T>C on the plus strand (A>G on the coding strand, the complement: BRIP1 is on the minus strand). VCF-style: chr17-61683966-T-C. GRCh37 (hg19) VCF-style: chr17-59761327-T-C.
Other names: short protein forms E1027G.
Identifiers: ClinVar variation 628238 (VCV000628238.7), dbSNP rs863224804, ClinGen allele CA400479835.
Genomic context (GRCh38, chr17:61,683,966, plus strand): 5'-AAAACAGTTTTACTTTCCATCTTCTCTGTTTTGAAACGGGGAGGACTAGAGGCACTATTC[T>C]CTGATGACCCGAGCTCAGGTGTTGCCTTCGGTATTTTACCAGTAAAATACTGTCCCAAAG-3'
Protein context (NP_114432.2, residues 1017-1037): PKATPELGSS[Glu1027Gly]NSASSPPRFK

ClinVar aggregate classification (germline): Uncertain significance. Review status: criteria provided, multiple submitters, no conflicts (2 of 4 stars). 2 submissions from 2 submitters: Uncertain significance (2). Last evaluated 2024-12-17.

Conditions:
Familial cancer of breast. Also called: BREAST CANCER, FAMILIAL; Hereditary breast cancer; hereditary breast carcinoma. Identifiers: Orphanet 227535, MedGen C0346153, MONDO:0016419, OMIM 114480. Disease mechanism: loss of function.
Fanconi anemia complementation group J. Also called: BRIP1-Related Fanconi Anemia. Identifiers: Orphanet 84, MedGen C1836860, MONDO:0012187, OMIM 609054.
Hereditary cancer-predisposing syndrome. Also called: Tumor predisposition; Neoplastic Syndromes, Hereditary; Hereditary Cancer Syndrome; Hereditary neoplastic syndrome. Identifiers: Orphanet 140162, MedGen C0027672, MeSH D009386, MONDO:0015356.

Allele frequency attached by ClinVar (database versions not stated): gnomAD exomes below 0.00001.
gnomAD v4.1: 1 of 1,614,196 alleles (0.000062%); highest among the groups gnomAD compares: East Asian, 0.0022%; no homozygotes.

Submissions (2):

Labcorp Genetics (formerly Invitae), Labcorp
Classification: Uncertain significance for Familial cancer of breast; Fanconi anemia complementation group J. Last evaluated: 2024-12-17. Review status: criteria provided, single submitter. Criteria: Invitae Variant Classification Sherloc (09022015). Collection method: clinical testing. Allele origin: germline.
Comment: This sequence change replaces glutamic acid, which is acidic and polar, with glycine, which is neutral and non-polar, at codon 1027 of the BRIP1 protein (p.Glu1027Gly). This variant is present in population databases (no rsID available, gnomAD 0.006%). This variant has not been reported in the literature in individuals affected with BRIP1-related conditions. ClinVar contains an entry for this variant (Variation ID: 628238). Invitae Evidence Modeling of protein sequence and biophysical properties (such as structural, functional, and spatial information, amino acid conservation, physicochemical variation, residue mobility, and thermodynamic stability) indicates that this missense variant is not expected to disrupt BRIP1 protein function with a negative predictive value of 95%. In summary, the available evidence is currently insufficient to determine the role of this variant in disease. Therefore, it has been classified as a Variant of Uncertain Significance.

Color Diagnostics, LLC DBA Color Health
Classification: Uncertain significance for Hereditary cancer-predisposing syndrome. Last evaluated: 2023-12-04. Review status: criteria provided, single submitter. Criteria: ACMG Guidelines, 2015. Collection method: clinical testing. Allele origin: germline.
Comment: This missense variant replaces glutamic acid with glycine at codon 1027 of the BRIP1 protein. Computational prediction suggests that this variant may not impact protein structure and function (internally defined REVEL score threshold <= 0.5, PMID: 27666373). To our knowledge, functional studies have not been reported for this variant. This variant has not been reported in individuals affected with BRIP1-related disorders in the literature. This variant has been identified in 1/251442 chromosomes in the general population by the Genome Aggregation Database (gnomAD). The available evidence is insufficient to determine the role of this variant in disease conclusively. Therefore, this variant is classified as a Variant of Uncertain Significance.